The following is an entry in ClinVar:

NM_015102.5(NPHP4):c.1524G>A (p.Ala508=)

Gene: NPHP4 (nephrocystin 4; minus strand). Cytogenetic location: 1p36.31.
Variant type: single nucleotide variant.
Coding change: c.1524G>A on transcript NM_015102.5 (MANE Select); coding-DNA position 1524, G replaced by A.
Protein change: p.Ala508=; no amino-acid change (alanine 508 retained).
Molecular consequence: synonymous variant. On other transcripts: non-coding transcript variant (1), intron variant (2).
Genome position (GRCh38, 1-based): chr1:5,907,202, C>T on the plus strand (G>A on the coding strand, the complement: NPHP4 is on the minus strand). VCF-style: chr1-5907202-C-T. GRCh37 (hg19) VCF-style: chr1-5967262-C-T.
Other names: c.1524G>A (NM_015102.4); c.76-1419G>A (NM_001291594.2); c.76-1422G>A (NM_001291593.2).
Identifiers: ClinVar variation 1138950 (VCV001138950.11), dbSNP rs760977291, ClinGen allele CA554457.

ClinVar aggregate classification (germline): Likely benign. Review status: criteria provided, single submitter (1 of 4 stars). 2 submissions from 2 submitters: Likely benign (1). 1 of the submissions does not count toward it. Last evaluated 2025-11-11.

Conditions:
NPHP4-related disorder. Also called: NPHP4-related disorders; NPHP4-related condition. Identifiers: MedGen CN239384.
Nephronophthisis. Also called: Juvenile Nephronophthisis. Identifiers: Orphanet 655, MedGen C0687120, MONDO:0019005, HP:0000090.

Allele frequency attached by ClinVar (database versions not stated): gnomAD exomes 0.00002 and 0.00005; gnomAD 0.00003 and 0.00004; TOPMed 0.00006; ExAC 0.00008.
gnomAD v4.1: 78 of 1,581,758 alleles (0.0049%); highest among the groups gnomAD compares: African/African-American, 0.0067%; no homozygotes.

Submissions (2):

Labcorp Genetics (formerly Invitae), Labcorp
Classification: Likely benign for Nephronophthisis. Last evaluated: 2025-11-11. Review status: criteria provided, single submitter. Criteria: Invitae Variant Classification Sherloc (09022015). Collection method: clinical testing. Allele origin: germline.

PreventionGenetics, part of Exact Sciences
Classification: Likely benign for NPHP4-related condition. Last evaluated: 2022-05-16. Review status: no assertion criteria provided. Collection method: clinical testing. Allele origin: germline. Not counted in ClinVar's aggregate classification.
Comment: This variant is classified as likely benign based on ACMG/AMP sequence variant interpretation guidelines (Richards et al. 2015 PMID: 25741868, with internal and published modifications).